The following is an entry in ClinVar:

ClinVar aggregate classification (germline): Uncertain significance (1 of 4 stars; one submission).

gnomAD v4.1: 12 of 1,613,436 alleles (0.00074%); highest among the groups gnomAD compares: Non-Finnish European, 0.001%; no homozygotes.

Submission:

Ambry Genetics
Classification: Uncertain significance. Last evaluated: 2025-06-18. Review status: criteria provided, single submitter. Criteria: Ambry Variant Classification Scheme 2023. Collection method: clinical testing. Allele origin: germline.
Comment: The c.1149-3T>C intronic variant results from a T to C substitution 3 nucleotides upstream from coding exon 4 in the EGLN1 gene. This nucleotide position is well conserved in available vertebrate species. In silico splice site analysis predicts that this alteration will not have any significant effect on splicing. The evidence for this gene-disease relationship is limited; therefore, the clinical significance of this alteration is unclear.

NM_022051.3(EGLN1):c.1149-3T>C

Gene: EGLN1 (egl-9 family hypoxia inducible factor 1; minus strand). Cytogenetic location: 1q42.2.
Variant type: single nucleotide variant.
Coding change: c.1149-3T>C on transcript NM_022051.3 (MANE Select); 3 bases into the intron before coding-DNA position 1149, T replaced by C.
Molecular consequence: intron variant.
Genome position (GRCh38, 1-based): chr1:231,367,639, A>G on the plus strand (T>C on the coding strand, the complement: EGLN1 is on the minus strand). VCF-style: chr1-231367639-A-G. GRCh37 (hg19) VCF-style: chr1-231503385-A-G.
Other names: c.1012-3T>C (NM_001377261.1); c.1149-1164T>C (NM_001377260.1).
Identifiers: ClinVar variation 4247383 (VCV004247383.1).